The following is an entry in ClinVar:

ClinVar aggregate classification (germline): Likely benign (1 of 4 stars; one submission).

Submission:

CeGaT Center for Human Genetics Tuebingen
Classification: Likely benign. Last evaluated: 2026-01-01. Review status: criteria provided, single submitter. Criteria: CeGaT Center For Human Genetics Tuebingen Variant Classification Criteria Version 2. Collection method: clinical testing. Allele origin: germline. Affected: yes. Observed: 1 variant allele.
Comment: DDHD2: PM2:Supporting, BP4, BP7

NM_015214.3(DDHD2):c.1854T>G (p.Thr618=)

Gene: DDHD2 (DDHD domain containing 2; plus strand). Cytogenetic location: 8p11.23.
Variant type: single nucleotide variant.
Coding change: c.1854T>G on transcript NM_015214.3 (MANE Select); coding-DNA position 1854, T replaced by G.
Protein change: p.Thr618=; no amino-acid change (threonine 618 retained).
Molecular consequence: synonymous variant. On other transcripts: non-coding transcript variant (2).
Genome position (GRCh38, 1-based): chr8:38,253,090, T>G. VCF-style: chr8-38253090-T-G. GRCh37 (hg19) VCF-style: chr8-38110608-T-G.
Other names: c.1854T>G, p.Thr618= (NM_001164232.2, NM_001362911.2, NM_001362912.2 and 1 more transcripts); c.1764T>G, p.Thr588= (NM_001362913.2).
Identifiers: ClinVar variation 4822532 (VCV004822532.4).